The following is an entry in ClinVar:

ClinVar aggregate classification (germline): Uncertain significance. Review status: criteria provided, multiple submitters, no conflicts (2 of 4 stars). 2 submissions from 2 submitters: Uncertain significance (2). Last evaluated 2025-12-10.

Conditions:
Inborn genetic diseases. Identifiers: MedGen C0950123, MeSH D030342.

Allele frequency attached by ClinVar (database versions not stated): gnomAD exomes 0.00001; ExAC 0.00002; gnomAD 0.00008; TOPMed 0.00007; ESP Exome Variant Server 0.00008.
gnomAD v4.1: 24 of 1,613,886 alleles (0.0015%); highest among the groups gnomAD compares: African/African-American, 0.031%; no homozygotes.

Submissions (2):

GeneDx
Classification: Uncertain significance. Last evaluated: 2025-12-10. Review status: criteria provided, single submitter. Criteria: GeneDx Variant Classification Process June 2021. Collection method: clinical testing. Allele origin: germline. Affected: yes.
Comment: In silico analysis suggests that this missense variant does not alter protein structure/function; Has not been previously published as pathogenic or benign to our knowledge

Ambry Genetics
Classification: Uncertain significance for Inborn genetic diseases. Last evaluated: 2025-04-25. Review status: criteria provided, single submitter. Criteria: Ambry Variant Classification Scheme 2023. Collection method: clinical testing. Allele origin: germline.

NM_144498.4(OSBPL2):c.58T>C (p.Ser20Pro)

Gene: OSBPL2 (oxysterol binding protein like 2; plus strand). Cytogenetic location: 20q13.33.
Variant type: single nucleotide variant.
Coding change: c.58T>C on transcript NM_144498.4 (MANE Select); coding-DNA position 58, T replaced by C.
Protein change: p.Ser20Pro; replaces serine 20 with proline.
Molecular consequence: missense variant. On other transcripts: 5 prime UTR variant (1), intron variant (2).
Genome position (GRCh38, 1-based): chr20:62,260,001, T>C. VCF-style: chr20-62260001-T-C. GRCh37 (hg19) VCF-style: chr20-60835057-T-C.
Other names: c.58T>C (NM_144498.1); c.-309T>C (NM_001363878.2); c.38-16T>C (NM_014835.5); c.-184-3615T>C (NM_001278649.3); short protein forms S20P.
Identifiers: ClinVar variation 2442703 (VCV002442703.3), dbSNP rs368593317, ClinGen allele CA9938328.